The following is an entry in ClinVar:

NM_000138.5(FBN1):c.2433C>A (p.Cys811Ter)

Gene: FBN1 (fibrillin 1; minus strand). Cytogenetic location: 15q21.1.
Variant type: single nucleotide variant.
Coding change: c.2433C>A on transcript NM_000138.5 (MANE Select); coding-DNA position 2433, C replaced by A.
Protein change: p.Cys811Ter; replaces cysteine 811 with a stop codon.
Molecular consequence: nonsense.
Genome position (GRCh38, 1-based): chr15:48,495,575, G>T on the plus strand (C>A on the coding strand, the complement: FBN1 is on the minus strand). VCF-style: chr15-48495575-G-T. GRCh37 (hg19) VCF-style: chr15-48787772-G-T.
Other names: short protein forms C811*.
Identifiers: ClinVar variation 36049 (VCV000036049.9), dbSNP rs193921256, ClinGen allele CA013041.

ClinVar aggregate classification (germline): Pathogenic. Review status: criteria provided, multiple submitters, no conflicts (2 of 4 stars). 5 submissions from 5 submitters: Pathogenic (4). 1 of the submissions does not count toward it. Last evaluated 2023-05-04.

Conditions:
Marfan Syndrome/Loeys-Dietz Syndrome/Familial Thoracic Aortic Aneurysms and Dissections. Identifiers: MedGen CN229799.
Familial thoracic aortic aneurysm and aortic dissection (TAAD). Also called: Thoracic aortic aneurysms and dissections. Identifiers: Orphanet 91387, MedGen C4707243, MONDO:0019625.
Marfan syndrome (MFS). Also called: FBN1-Related Marfan Syndrome; Marfan syndrome type 1; Marfan's syndrome; Marfan syndrome, classic; MARFAN SYNDROME, TYPE I. Identifiers: Orphanet 284963, Orphanet 558, MedGen C0024796, MONDO:0007947, OMIM 154700.

Submissions (5):

Clinical Genetics Laboratory, Skane University Hospital Lund
Classification: Pathogenic. Last evaluated: 2023-05-04. Review status: criteria provided, single submitter. Criteria: ACMG Guidelines, 2015. Collection method: clinical testing. Allele origin: germline. Affected: yes.

Ambry Genetics
Classification: Pathogenic for Familial thoracic aortic aneurysm and aortic dissection. Last evaluated: 2020-07-07. Review status: criteria provided, single submitter. Criteria: Ambry Variant Classification Scheme 2023. Collection method: clinical testing. Allele origin: germline.
Comment: The p.C811* pathogenic mutation (also known as c.2433C>A), located in coding exon 20 of the FBN1 gene, results from a C to A substitution at nucleotide position 2433. This changes the amino acid from a cysteine to a stop codon within coding exon 20. In addition to the clinical data presented in the literature, this alteration is expected to result in loss of function by premature protein truncation or nonsense-mediated mRNA decay. As such, this alteration is interpreted as a disease-causing mutation.

GeneDx
Classification: Pathogenic. Last evaluated: 2017-05-18. Review status: criteria provided, single submitter. Criteria: GeneDx Variant Classification (06012015). Collection method: clinical testing. Allele origin: germline. Affected: yes.
Comment: The C811X pathogenic variant in the FBN1 gene has been previously reported in association with Marfan syndrome (Hung et al., 2009; Wypasek et al., 2013). While the proband had several maternal relatives with clinical histories suspicious for Marfan syndrome, genetic testing of informative relatives was not performed at the time of publication (Wypasek et al., 2013). The C811X variant is classified in ClinVar as pathogenic or likely pathogenic by two other clinical laboratories (SCV000052362.1, SCV000319270.1; Landrum et al., 2016). C811X is predicted to cause loss of normal protein function either by protein truncation or nonsense-mediated mRNA decay. Multiple other nonsense variants in the FBN1 gene have been reported in Human Gene Mutation Database in association with FBN1-related disorders, including Marfan syndrome (Stenson et al., 2014). Furthermore, the C811X variant is not observed in large population cohorts (Lek et al., 2016; 1000 Genomes Consortium et al., 2015; Exome Variant Server).

Women's Health and Genetics/Laboratory Corporation of America, LabCorp
Classification: Pathogenic for Marfan Syndrome/Loeys-Dietz Syndrome/Familial Thoracic Aortic Aneurysms and Dissections. Last evaluated: 2016-02-10. Review status: criteria provided, single submitter. Criteria: LabCorp Variant Classification Summary - May 2015. Collection method: clinical testing. Allele origin: germline.

Center for Medical Genetics Ghent, University of Ghent
Classification: Pathogenic for Marfan syndrome. Last evaluated: 2017-11-07. Review status: no assertion criteria provided. Collection method: clinical testing. Allele origin: germline. Affected: yes. Not counted in ClinVar's aggregate classification.

Literature cited by the submitters: PubMed 19839986 (cited by Ambry Genetics and Women's Health and Genetics/Laboratory Corporation of America, LabCorp); PubMed 24296667 (cited by Ambry Genetics and Women's Health and Genetics/Laboratory Corporation of America, LabCorp); PubMed 19328768 (cited by Women's Health and Genetics/Laboratory Corporation of America, LabCorp).